The following is an entry in ClinVar:

NM_017849.4(TMEM127):c.416A>G (p.Gln139Arg)

Gene: TMEM127 (transmembrane protein 127; minus strand). Cytogenetic location: 2q11.2.
Variant type: single nucleotide variant.
Coding change: c.416A>G on transcript NM_017849.4 (MANE Select); coding-DNA position 416, A replaced by G.
Protein change: p.Gln139Arg; replaces glutamine 139 with arginine.
Molecular consequence: missense variant.
Genome position (GRCh38, 1-based): chr2:96,254,109, T>C on the plus strand (A>G on the coding strand, the complement: TMEM127 is on the minus strand). VCF-style: chr2-96254109-T-C. GRCh37 (hg19) VCF-style: chr2-96919847-T-C.
Other names: c.416A>G, p.Gln139Arg (NM_001193304.3); c.164A>G, p.Gln55Arg (NM_001407282.1, NM_001407283.1); short protein forms Q139R, Q55R.
Identifiers: ClinVar variation 1738393 (VCV001738393.6), dbSNP rs2467264370, ClinGen allele CA347653178.
Genomic context (GRCh38, chr2:96,254,109, plus strand): 5'-TGCTGCTGGGCCAAGATGAGTTCAGAAGCCCAATAAGAAAAGCCAATGACGGTGGCACAC[T>C]GCAGAACTAGGAGACAGAGGGACAGCACAGAAGGGGAATTAGTGAGCACTCCACAGCTAG-3'
Protein context (NP_060319.1, residues 129-149): YAFAHILTVL[Gln139Arg]CATVIGFSYW

ClinVar aggregate classification (germline): Uncertain significance. Review status: criteria provided, multiple submitters, no conflicts (2 of 4 stars). 3 submissions from 3 submitters: Uncertain significance (3). Last evaluated 2025-07-04.

Conditions:
Pheochromocytoma. Also called: MAX-Related Hereditary Paraganglioma-Pheochromocytoma Syndrome. Identifiers: Orphanet 29072, MedGen C0031511, MONDO:0008233, OMIM 171300, HP:0002666.
Hereditary cancer-predisposing syndrome. Also called: Neoplastic Syndromes, Hereditary; Tumor predisposition; Hereditary Cancer Syndrome; Hereditary neoplastic syndrome. Identifiers: Orphanet 140162, MedGen C0027672, MeSH D009386, MONDO:0015356.
Hereditary pheochromocytoma and paraganglioma. Also called: Hereditary pheochromocytoma-paraganglioma; Hereditary paragangliomas and pheochromocytomas; Hereditary Paraganglioma-Pheochromocytoma Syndromes. Identifiers: Orphanet 29072, MedGen C4274332, MONDO:0017366.

Allele frequency attached by ClinVar (database versions not stated): gnomAD exomes below 0.00001.
gnomAD v4.1: 3 of 1,613,890 alleles (0.00019%); highest among the groups gnomAD compares: Non-Finnish European, 0.00025%; no homozygotes.

Submissions (3):

Ambry Genetics
Classification: Uncertain significance for Hereditary cancer-predisposing syndrome. Last evaluated: 2025-07-04. Review status: criteria provided, single submitter. Criteria: Ambry Variant Classification Scheme 2023. Collection method: clinical testing. Allele origin: germline.
Comment: The p.Q139R variant (also known as c.416A>G), located in coding exon 3 of the TMEM127 gene, results from an A to G substitution at nucleotide position 416. The glutamine at codon 139 is replaced by arginine, an amino acid with highly similar properties. This amino acid position is highly conserved in available vertebrate species. In addition, the in silico prediction for this alteration is inconclusive. Since supporting evidence is limited at this time, the clinical significance of this alteration remains unclear.

Labcorp Genetics (formerly Invitae), Labcorp
Classification: Uncertain significance for Hereditary pheochromocytoma and paraganglioma. Last evaluated: 2025-07-02. Review status: criteria provided, single submitter. Criteria: Invitae Variant Classification Sherloc (09022015). Collection method: clinical testing. Allele origin: germline.
Comment: This sequence change replaces glutamine, which is neutral and polar, with arginine, which is basic and polar, at codon 139 of the TMEM127 protein (p.Gln139Arg). This variant is not present in population databases (gnomAD no frequency). This variant has not been reported in the literature in individuals affected with TMEM127-related conditions. ClinVar contains an entry for this variant (Variation ID: 1738393). An algorithm developed to predict the effect of missense changes on protein structure and function (PolyPhen-2) suggests that this variant is likely to be tolerated. In summary, the available evidence is currently insufficient to determine the role of this variant in disease. Therefore, it has been classified as a Variant of Uncertain Significance.

Baylor Genetics
Classification: Uncertain significance for Pheochromocytoma. Last evaluated: 2023-07-23. Review status: criteria provided, single submitter. Criteria: ACMG Guidelines, 2015. Collection method: clinical testing. Allele origin: unknown.